The following is an entry in ClinVar:

ClinVar aggregate classification (germline): Uncertain significance (1 of 4 stars; one submission).

Submission:

Labcorp Genetics (formerly Invitae), Labcorp
Classification: Uncertain significance. Last evaluated: 2022-11-22. Review status: criteria provided, single submitter. Criteria: Invitae Variant Classification Sherloc (09022015). Collection method: clinical testing. Allele origin: germline.
Comment: Experimental studies and prediction algorithms are not available or were not evaluated, and the functional significance of this variant is currently unknown. This sequence change creates a premature translational stop signal (p.Phe371Alafs*45) in the TBX15 gene. While this is not anticipated to result in nonsense mediated decay, it is expected to disrupt the last 126 amino acid(s) of the TBX15 protein. This variant is not present in population databases (gnomAD no frequency). This variant has not been reported in the literature in individuals affected with TBX15-related conditions. ClinVar contains an entry for this variant (Variation ID: 1482758). In summary, the available evidence is currently insufficient to determine the role of this variant in disease. Therefore, it has been classified as a Variant of Uncertain Significance.

NM_001330677.2(TBX15):c.1429_1450del (p.Phe477fs)

Gene: TBX15 (T-box transcription factor 15; minus strand). Cytogenetic location: 1p12.
Variant type: Deletion.
Coding change: c.1429_1450del on transcript NM_001330677.2 (MANE Select); coding-DNA positions 1429 to 1450, 22 bases deleted (TTTCAGTATGTCATGCAGGCAG).
Protein change: p.Phe477fs; shifts the reading frame from phenylalanine 477.
Molecular consequence: frameshift variant.
Genome position (GRCh38, 1-based): chr1:118,885,091-118,885,112, CTGCCTGCATGACATACTGAAA deleted on the plus strand (TTTCAGTATGTCATGCAGGCAG on the coding strand, the reverse complement: TBX15 is on the minus strand); deleting any 22 consecutive bases within chr1:118,885,091-118,885,115 gives the same sequence; the c. name uses the placement nearest the transcript's 3' end. VCF-style (leftmost placement, unchanged base first): chr1-118885090-CCTGCCTGCATGACATACTGAAA-C. GRCh37 (hg19) VCF-style: chr1-119427713-CCTGCCTGCATGACATACTGAAA-C.
Other names: c.1111_1132del, p.Phe371fs (NM_152380.3); short protein forms F371fs, F477fs.
Identifiers: ClinVar variation 1482758 (VCV001482758.5), dbSNP rs2101421001, ClinGen allele CA2573131021.
Genomic context (GRCh38, chr1:118,885,090, plus strand): 5'-CTCTGCTGCATGTGGCTGCCCCCGAACATGTGTGGTGATGAGGAGCTGGAGGCAGCATTG[CCTGCCTGCATGACATACTGAAA>C]CTGGGAAGTGGGAAAGGACCCCAGCTGGCCACCGTAGGCTTCCATCTTGCTGTTGCCAGG-3'